The following is an entry in ClinVar:

ClinVar aggregate classification (germline): Likely benign. Review status: criteria provided, single submitter (1 of 4 stars). 2 submissions from 2 submitters: Likely benign (1). 1 of the submissions does not count toward it. Last evaluated 2024-11-27.

Conditions:
KRT6C-related disorder. Also called: KRT6C-related condition.

Allele frequency attached by ClinVar (database versions not stated): gnomAD 0.00033; 1000 Genomes Project 0.00180; 1000 Genomes Project 30x 0.00187.
gnomAD v4.1: 244 of 1,336,390 alleles (0.018%); highest among the groups gnomAD compares: East Asian, 0.19%; 5 homozygotes.

Submissions (2):

Blueprint Genetics
Classification: Likely benign. Last evaluated: 2024-11-27. Review status: criteria provided, single submitter. Criteria: ACMG Guidelines, 2015. Collection method: clinical testing. Allele origin: germline.

PreventionGenetics, part of Exact Sciences
Classification: Likely benign for KRT6C-related condition. Last evaluated: 2019-10-07. Review status: no assertion criteria provided. Collection method: clinical testing. Allele origin: germline. Not counted in ClinVar's aggregate classification.
Comment: This variant is classified as likely benign based on ACMG/AMP sequence variant interpretation guidelines (Richards et al. 2015 PMID: 25741868, with internal and published modifications).

NM_173086.5(KRT6C):c.318C>A (p.Ala106=)

Gene: KRT6C (keratin 6C; minus strand). Cytogenetic location: 12q13.13.
Variant type: single nucleotide variant.
Coding change: c.318C>A on transcript NM_173086.5 (MANE Select); coding-DNA position 318, C replaced by A.
Protein change: p.Ala106=; no amino-acid change (alanine 106 retained).
Molecular consequence: synonymous variant.
Genome position (GRCh38, 1-based): chr12:52,473,420, G>T on the plus strand (C>A on the coding strand, the complement: KRT6C is on the minus strand). VCF-style: chr12-52473420-G-T. GRCh37 (hg19) VCF-style: chr12-52867204-G-T.
Identifiers: ClinVar variation 3045913 (VCV003045913.3), dbSNP rs375539593, ClinGen allele CA6581602.